The following is an entry in ClinVar:

NM_001089.3(ABCA3):c.578C>T (p.Pro193Leu)

Gene: ABCA3 (ATP binding cassette subfamily A member 3; minus strand). Cytogenetic location: 16p13.3.
Variant type: single nucleotide variant.
Coding change: c.578C>T on transcript NM_001089.3 (MANE Select); coding-DNA position 578, C replaced by T.
Protein change: p.Pro193Leu; replaces proline 193 with leucine.
Molecular consequence: missense variant.
Genome position (GRCh38, 1-based): chr16:2,323,558, G>A on the plus strand (C>T on the coding strand, the complement: ABCA3 is on the minus strand). VCF-style: chr16-2323558-G-A. GRCh37 (hg19) VCF-style: chr16-2373559-G-A.
Other names: short protein forms P193L.
Identifiers: ClinVar variation 1749643 (VCV001749643.2), dbSNP rs2505674273, ClinGen allele CA394349150.

ClinVar aggregate classification (germline): Uncertain significance (1 of 4 stars; one submission).

Conditions:
Hereditary pulmonary alveolar proteinosis. Also called: Pulmonary surfactant metabolism dysfunction. Identifiers: Orphanet 264675, MedGen C3711368, MONDO:0012580.

Allele frequency attached by ClinVar (database versions not stated): gnomAD exomes below 0.00001.
gnomAD v4.1: 1 of 1,614,180 alleles (0.000062%); no homozygotes.

Submission:

Ambry Genetics
Classification: Uncertain significance for Hereditary pulmonary alveolar proteinosis. Last evaluated: 2018-07-31. Review status: criteria provided, single submitter. Criteria: Ambry Variant Classification Scheme 2023. Collection method: clinical testing. Allele origin: germline.
Comment: The p.P193L variant (also known as c.578C>T), located in coding exon 4 of the ABCA3 gene, results from a C to T substitution at nucleotide position 578. The proline at codon 193 is replaced by leucine, an amino acid with some similar properties. In addition, this alteration is predicted to be deleterious by in silico analysis. Since supporting evidence is limited at this time, the clinical significance of this variant remains unclear.

Literature cited by the submitters: PubMed 17660803.